The following is an entry in ClinVar:

ClinVar aggregate classification (germline): Uncertain significance. Review status: criteria provided, multiple submitters, no conflicts (2 of 4 stars). 2 submissions from 2 submitters: Uncertain significance (2). Last evaluated 2026-01-22.

Conditions:
Fetal akinesia deformation sequence 1 (FADS1). Also called: Pena-Shokeir syndrome type I; Fetal akinesia sequence. Identifiers: Orphanet 994, MedGen C1276035, MONDO:0100101, OMIM 208150, HP:0001989.
Congenital myasthenic syndrome 11. Also called: MYASTHENIC SYNDROME, CONGENITAL, Ie; Myasthenic syndrome, congenital, 11, associated with acetylcholine receptor deficiency. Identifiers: Orphanet 590, MedGen C4225367, MONDO:0014588, OMIM 616326.

Allele frequency attached by ClinVar (database versions not stated): gnomAD exomes 0.00001; ExAC 0.00002.
gnomAD v4.1: 15 of 1,605,102 alleles (0.00093%); highest among the groups gnomAD compares: South Asian, 0.014%; no homozygotes.

Submissions (2):

Women's Health and Genetics/Laboratory Corporation of America, LabCorp
Classification: Uncertain significance. Last evaluated: 2026-01-22. Review status: criteria provided, single submitter. Criteria: LabCorp Variant Classification Summary - May 2015. Collection method: clinical testing. Allele origin: germline.

Labcorp Genetics (formerly Invitae), Labcorp
Classification: Uncertain significance for Congenital myasthenic syndrome 11; Fetal akinesia deformation sequence 1. Last evaluated: 2021-11-02. Review status: criteria provided, single submitter. Criteria: Invitae Variant Classification Sherloc (09022015). Collection method: clinical testing. Allele origin: germline.
Comment: This sequence change falls in intron 5 of the RAPSN gene. It does not directly change the encoded amino acid sequence of the RAPSN protein. It affects a nucleotide within the consensus splice site. This variant is present in population databases (rs781362707, gnomAD 0.01%). This variant has not been reported in the literature in individuals affected with RAPSN-related conditions. Variants that disrupt the consensus splice site are a relatively common cause of aberrant splicing (PMID: 17576681, 9536098). Algorithms developed to predict the effect of sequence changes on RNA splicing suggest that this variant is not likely to affect RNA splicing. In summary, the available evidence is currently insufficient to determine the role of this variant in disease. Therefore, it has been classified as a Variant of Uncertain Significance.

Literature cited by the submitters: PubMed 17576681 (cited by Labcorp Genetics (formerly Invitae), Labcorp); PubMed 9536098 (cited by Labcorp Genetics (formerly Invitae), Labcorp).

NM_005055.5(RAPSN):c.912+6G>A

Gene: RAPSN (receptor associated protein of the synapse; minus strand). Cytogenetic location: 11p11.2.
Variant type: single nucleotide variant.
Coding change: c.912+6G>A on transcript NM_005055.5 (MANE Select); 6 bases into the intron after coding-DNA position 912, G replaced by A.
Molecular consequence: intron variant.
Genome position (GRCh38, 1-based): chr11:47,441,605, C>T on the plus strand (G>A on the coding strand, the complement: RAPSN is on the minus strand). VCF-style: chr11-47441605-C-T. GRCh37 (hg19) VCF-style: chr11-47463157-C-T.
Other names: c.789+218G>A (NM_032645.5).
Identifiers: ClinVar variation 1484256 (VCV001484256.4), dbSNP rs781362707, ClinGen allele CA5976592.